The following is an entry in ClinVar:

ClinVar aggregate classification (germline): Uncertain significance (1 of 4 stars; one submission).

Submission:

Labcorp Genetics (formerly Invitae), Labcorp
Classification: Uncertain significance. Last evaluated: 2024-11-04. Review status: criteria provided, single submitter. Criteria: Invitae Variant Classification Sherloc (09022015). Collection method: clinical testing. Allele origin: germline.
Comment: This sequence change replaces threonine, which is neutral and polar, with serine, which is neutral and polar, at codon 405 of the PLXND1 protein (p.Thr405Ser). This variant is not present in population databases (gnomAD no frequency). This variant has not been reported in the literature in individuals affected with PLXND1-related conditions. Invitae Evidence Modeling of protein sequence and biophysical properties (such as structural, functional, and spatial information, amino acid conservation, physicochemical variation, residue mobility, and thermodynamic stability) indicates that this missense variant is not expected to disrupt PLXND1 protein function with a negative predictive value of 80%. In summary, the available evidence is currently insufficient to determine the role of this variant in disease. Therefore, it has been classified as a Variant of Uncertain Significance.

NM_015103.3(PLXND1):c.1213A>T (p.Thr405Ser)

Gene: PLXND1 (plexin D1; minus strand). Cytogenetic location: 3q22.1.
Variant type: single nucleotide variant.
Coding change: c.1213A>T on transcript NM_015103.3 (MANE Select); coding-DNA position 1213, A replaced by T.
Protein change: p.Thr405Ser; replaces threonine 405 with serine.
Molecular consequence: missense variant.
Genome position (GRCh38, 1-based): chr3:129,605,427, T>A on the plus strand (A>T on the coding strand, the complement: PLXND1 is on the minus strand). VCF-style: chr3-129605427-T-A. GRCh37 (hg19) VCF-style: chr3-129324270-T-A.
Other names: short protein forms T405S.
Identifiers: ClinVar variation 3667463 (VCV003667463.2).